The following is an entry in ClinVar:

NM_005263.5(GFI1):c.115+4C>G

Gene: GFI1 (growth factor independent 1 transcriptional repressor; minus strand). Cytogenetic location: 1p22.1.
Variant type: single nucleotide variant.
Coding change: c.115+4C>G on transcript NM_005263.5 (MANE Select); 4 bases into the intron after coding-DNA position 115, C replaced by G.
Molecular consequence: intron variant.
Genome position (GRCh38, 1-based): chr1:92,483,369, G>C on the plus strand (C>G on the coding strand, the complement: GFI1 is on the minus strand). VCF-style: chr1-92483369-G-C. GRCh37 (hg19) VCF-style: chr1-92948926-G-C.
Other names: c.115+4C>G (NM_001127216.3, NM_001127215.3).
Identifiers: ClinVar variation 2868118 (VCV002868118.3), dbSNP rs772849128, ClinGen allele CA951500.
Genomic context (GRCh38, chr1:92,483,369, plus strand): 5'-GGTGTGCCGAGGTGCAGTAGGCATCCGGGGGAGCAGCCCCGCCTGGCCCGCGCGCGCCTC[G>C]CACCTGCTCGGCTAGGCGCCGGTACATTCTCTAAACGGAGGGAATAGTCTGGTCCTGGGG-3'

ClinVar aggregate classification (germline): Uncertain significance (1 of 4 stars; one submission).

Conditions:
Neutropenia, severe congenital, 2, autosomal dominant. Identifiers: Orphanet 486, MedGen C2751288, MONDO:0013139, OMIM 613107.

Allele frequency attached by ClinVar (database versions not stated): ExAC 0.00001.
gnomAD v4.1: 6 of 1,569,846 alleles (0.00038%); highest among the groups gnomAD compares: Non-Finnish European, 0.00053%; no homozygotes.

Submission:

Labcorp Genetics (formerly Invitae), Labcorp
Classification: Uncertain significance for Neutropenia, severe congenital, 2, autosomal dominant. Last evaluated: 2023-04-20. Review status: criteria provided, single submitter. Criteria: Invitae Variant Classification Sherloc (09022015). Collection method: clinical testing. Allele origin: germline.
Comment: This sequence change falls in intron 2 of the GFI1 gene. It does not directly change the encoded amino acid sequence of the GFI1 protein. It affects a nucleotide within the consensus splice site. This variant is present in population databases (rs772849128, gnomAD 0.0009%). This variant has not been reported in the literature in individuals affected with GFI1-related conditions. Variants that disrupt the consensus splice site are a relatively common cause of aberrant splicing (PMID: 17576681, 9536098). Algorithms developed to predict the effect of sequence changes on RNA splicing suggest that this variant is not likely to affect RNA splicing. In summary, the available evidence is currently insufficient to determine the role of this variant in disease. Therefore, it has been classified as a Variant of Uncertain Significance.

Literature cited by the submitters: PubMed 17576681; PubMed 9536098.